The following is an entry in ClinVar:

NM_001184880.2(PCDH19):c.647del (p.Pro216fs)

Gene: PCDH19 (protocadherin 19; minus strand). Cytogenetic location: Xq22.1.
Variant type: Deletion.
Coding change: c.647del on transcript NM_001184880.2 (MANE Select); coding-DNA position 647, one base deleted (C; older notation c.647delC).
Protein change: p.Pro216fs; shifts the reading frame from proline 216.
Molecular consequence: frameshift variant.
Genome position (GRCh38, 1-based): chrX:100,407,951, G deleted on the plus strand (C on the coding strand, the reverse complement: PCDH19 is on the minus strand); the first of 3 consecutive G bases (chrX:100,407,951-100,407,953); deleting any one gives the same sequence. VCF-style (leftmost placement, unchanged base first): chrX-100407950-CG-C. GRCh37 (hg19) VCF-style: chrX-99662948-CG-C.
Other names: c.647del, p.Pro216fs (NM_001105243.2, NM_020766.3); short protein forms P216fs.
Identifiers: ClinVar variation 817379 (VCV000817379.1), dbSNP rs1602637517, ClinGen allele CA915951276.
Genomic context (GRCh38, chrX:100,407,950, plus strand): 5'-CGGGTTGTTGTCATTGGAGTCGGTCACCTTGATACTAAGGCCAACGGTGCCCAGGCGCGG[CG>C]GGTCGCCACCGTCTAGCGCAGTGATTCGGAAGCTGTAGTGCGACTGCGTCTCGCGGTCCA-3'

ClinVar aggregate classification (germline): Pathogenic (1 of 4 stars; one submission).

Submission:

GeneDx
Classification: Pathogenic. Last evaluated: 2018-12-14. Review status: criteria provided, single submitter. Criteria: GeneDx Variant Classification (06012015). Collection method: clinical testing. Allele origin: germline. Affected: yes.
Comment: The c.647delC pathogenic variant in the PCDH19 gene causes a frameshift starting with codon Proline 216, changes this amino acid to an Arginine residue and creates a premature Stop codon at position 13 of the new reading frame, denoted p.Pro216ArgfsX13. This pathogenic variant is predicted to cause loss of normal protein function either through protein truncation or nonsense-mediated mRNA decay. The c.647delC variant is not observed in large population cohorts (Lek et al., 2016).